The following is an entry in ClinVar:

ClinVar aggregate classification (germline): Uncertain significance. Review status: criteria provided, multiple submitters, no conflicts (2 of 4 stars). 3 submissions from 3 submitters: Uncertain significance (3). Last evaluated 2024-08-06.

Conditions:
Hereditary cancer-predisposing syndrome. Also called: Hereditary neoplastic syndrome; Tumor predisposition; Neoplastic Syndromes, Hereditary; Hereditary Cancer Syndrome. Identifiers: Orphanet 140162, MedGen C0027672, MeSH D009386, MONDO:0015356.
Familial cancer of breast. Also called: hereditary breast carcinoma; BREAST CANCER, FAMILIAL; Hereditary breast cancer. Identifiers: Orphanet 227535, MedGen C0346153, MONDO:0016419, OMIM 114480. Disease mechanism: loss of function.
Ataxia-telangiectasia syndrome (AT). Also called: Ataxia telangiectasia (A-T); Cerebello-oculocutaneous telangiectasia; Immunodeficiency with ataxia telangiectasia; AT, COMPLEMENTATION GROUP C; ATAXIA-TELANGIECTASIA, COMPLEMENTATION GROUP A; ATAXIA-TELANGIECTASIA, FRESNO VARIANT. Identifiers: Orphanet 100, MedGen C0004135, MONDO:0008840, OMIM 208900.

Submissions (3):

Labcorp Genetics (formerly Invitae), Labcorp
Classification: Uncertain significance for Ataxia-telangiectasia syndrome. Last evaluated: 2024-08-06. Review status: criteria provided, single submitter. Criteria: Invitae Variant Classification Sherloc (09022015). Collection method: clinical testing. Allele origin: germline.
Comment: This sequence change replaces serine, which is neutral and polar, with glycine, which is neutral and non-polar, at codon 328 of the ATM protein (p.Ser328Gly). This variant is not present in population databases (gnomAD no frequency). This variant has not been reported in the literature in individuals affected with ATM-related conditions. ClinVar contains an entry for this variant (Variation ID: 856804). An algorithm developed to predict the effect of missense changes on protein structure and function (PolyPhen-2) suggests that this variant is likely to be tolerated. In summary, the available evidence is currently insufficient to determine the role of this variant in disease. Therefore, it has been classified as a Variant of Uncertain Significance.

Ambry Genetics
Classification: Uncertain significance for Hereditary cancer-predisposing syndrome. Last evaluated: 2024-07-24. Review status: criteria provided, single submitter. Criteria: Ambry Variant Classification Scheme 2023. Collection method: clinical testing. Allele origin: germline.
Comment: The p.S328G variant (also known as c.982A>G), located in coding exon 7 of the ATM gene, results from an A to G substitution at nucleotide position 982. The serine at codon 328 is replaced by glycine, an amino acid with similar properties. This amino acid position is conserved. In addition, this alteration is predicted to be tolerated by in silico analysis. Based on the available evidence, the clinical significance of this variant remains unclear.

Baylor Genetics
Classification: Uncertain significance for Familial cancer of breast. Last evaluated: 2023-07-11. Review status: criteria provided, single submitter. Criteria: ACMG Guidelines, 2015. Collection method: clinical testing. Allele origin: unknown.

NM_000051.4(ATM):c.982A>G (p.Ser328Gly)

Gene: ATM (ATM serine/threonine kinase; plus strand). Cytogenetic location: 11q22.3.
Variant type: single nucleotide variant.
Coding change: c.982A>G on transcript NM_000051.4 (MANE Select); coding-DNA position 982, A replaced by G.
Protein change: p.Ser328Gly; replaces serine 328 with glycine.
Molecular consequence: missense variant.
Genome position (GRCh38, 1-based): chr11:108,247,044, A>G. VCF-style: chr11-108247044-A-G. GRCh37 (hg19) VCF-style: chr11-108117771-A-G.
Other names: c.982A>G, p.Ser328Gly (NM_001351834.2); short protein forms S328G.
Identifiers: ClinVar variation 856804 (VCV000856804.11), dbSNP rs1555068433, ClinGen allele CA382531146.